The following is an entry in ClinVar:

ClinVar aggregate classification (germline): Likely pathogenic (1 of 4 stars; one submission).

Submission:

GeneDx
Classification: Likely pathogenic. Last evaluated: 2025-05-19. Review status: criteria provided, single submitter. Criteria: GeneDx Variant Classification Process June 2021. Collection method: clinical testing. Allele origin: germline. Affected: yes.
Comment: Not observed at significant frequency in large population cohorts (gnomAD); In silico analysis supports that this missense variant has a deleterious effect on protein structure/function; This variant is associated with the following publications: (PMID: 35982159, 33057194)

NM_006445.4(PRPF8):c.5491A>G (p.Lys1831Glu)

Gene: PRPF8 (pre-mRNA processing factor 8; minus strand). Cytogenetic location: 17p13.3.
Variant type: single nucleotide variant.
Coding change: c.5491A>G on transcript NM_006445.4 (MANE Select); coding-DNA position 5491, A replaced by G.
Protein change: p.Lys1831Glu; replaces lysine 1831 with glutamic acid.
Molecular consequence: missense variant.
Genome position (GRCh38, 1-based): chr17:1,658,267, T>C on the plus strand (A>G on the coding strand, the complement: PRPF8 is on the minus strand). VCF-style: chr17-1658267-T-C. GRCh37 (hg19) VCF-style: chr17-1561561-T-C.
Other names: short protein forms K1831E.
Identifiers: ClinVar variation 1311174 (VCV001311174.3), dbSNP rs2151114374, ClinGen allele CA397571944.
Genomic context (GRCh38, chr17:1,658,267, plus strand): 5'-AGAGGCAACATGGTTCTACAGCCTCTTCATCTTTAAACCTGCTCACCTGCCCCAAACGCT[T>C]CTGTCCCGCCCACACGGACGTGTGGATTATCTTGAGGAACAGCTGCCCTGTGCGTGGGTT-3'
Protein context (NP_006436.3, residues 1821-1841): IIHTSVWAGQ[Lys1831Glu]RLGQLAKWKT